The following is an entry in ClinVar:

ClinVar aggregate classification (germline): Likely benign (1 of 4 stars; one submission).

Allele frequency attached by ClinVar (database versions not stated): 1000 Genomes Project 0.00100; 1000 Genomes Project 30x 0.00156; ExAC 0.00311; gnomAD 0.00400; TOPMed 0.00468; ESP Exome Variant Server 0.00470; gnomAD exomes 0.00597.

Submission:

CeGaT Center for Human Genetics Tuebingen
Classification: Likely benign. Last evaluated: 2023-04-01. Review status: criteria provided, single submitter. Criteria: CeGaT Center For Human Genetics Tuebingen Variant Classification Criteria Version 2. Collection method: clinical testing. Allele origin: germline. Affected: yes. Observed: 3 variant alleles.
Comment: MUC16: BP4, BS2

NM_001401501.2(MUC16):c.15005C>T (p.Thr5002Ile)

Gene: MUC16 (mucin 16, cell surface associated; minus strand). Cytogenetic location: 19p13.2.
Variant type: single nucleotide variant.
Coding change: c.15005C>T on transcript NM_001401501.2 (MANE Select); coding-DNA position 15005, C replaced by T.
Protein change: p.Thr5002Ile; replaces threonine 5002 with isoleucine.
Molecular consequence: missense variant.
Genome position (GRCh38, 1-based): chr19:8,961,885, G>A on the plus strand (C>T on the coding strand, the complement: MUC16 is on the minus strand). VCF-style: chr19-8961885-G-A. GRCh37 (hg19) VCF-style: chr19-9072561-G-A.
Other names: c.15431C>T, p.Thr5144Ile (NM_001414686.1); c.14885C>T, p.Thr4962Ile (NM_001414687.1, NM_024690.2); short protein forms T4962I, T5002I, T5144I.
Identifiers: ClinVar variation 2649254 (VCV002649254.24), dbSNP rs184811119, ClinGen allele CA9170496.